The following is an entry in ClinVar:

NM_015192.4(PLCB1):c.1591G>C (p.Gly531Arg)

Gene: PLCB1 (phospholipase C beta 1; plus strand). Cytogenetic location: 20p12.3.
Variant type: single nucleotide variant.
Coding change: c.1591G>C on transcript NM_015192.4 (MANE Select); coding-DNA position 1591, G replaced by C.
Protein change: p.Gly531Arg; replaces glycine 531 with arginine.
Molecular consequence: missense variant.
Genome position (GRCh38, 1-based): chr20:8,724,665, G>C. VCF-style: chr20-8724665-G-C. GRCh37 (hg19) VCF-style: chr20-8705312-G-C.
Other names: c.1591G>C, p.Gly531Arg (NM_182734.3); short protein forms G531R.
Identifiers: ClinVar variation 1476949 (VCV001476949.8), dbSNP rs1979835329, ClinGen allele CA408203361.
Genomic context (GRCh38, chr20:8,724,665, plus strand): 5'-ATAATATAATGCTGACTCTGGAAATGTTTTCTTTTTTATTCCTACTTCCAGGGGACTGCT[G>C]GAAGTGAGGCTATGGCCACAGAAGAAATGTCTAATCTGGTGAACTATATTCAGCCAGTCA-3'
Protein context (NP_056007.1, residues 521-541): KKSSMDEGTA[Gly531Arg]SEAMATEEMS

ClinVar aggregate classification (germline): Uncertain significance (1 of 4 stars; one submission).

Conditions:
Developmental and epileptic encephalopathy, 12 (DEE12). Identifiers: MedGen C3150988, MONDO:0013389, OMIM 613722.

Allele frequency attached by ClinVar (database versions not stated): gnomAD exomes below 0.00001.
gnomAD v4.1: 2 of 1,590,574 alleles (0.00013%); highest among the groups gnomAD compares: Non-Finnish European, 0.00017%; no homozygotes.

Submission:

Labcorp Genetics (formerly Invitae), Labcorp
Classification: Uncertain significance for Developmental and epileptic encephalopathy, 12. Last evaluated: 2023-07-07. Review status: criteria provided, single submitter. Criteria: Invitae Variant Classification Sherloc (09022015). Collection method: clinical testing. Allele origin: germline.
Comment: In summary, the available evidence is currently insufficient to determine the role of this variant in disease. Therefore, it has been classified as a Variant of Uncertain Significance. Advanced modeling of protein sequence and biophysical properties (such as structural, functional, and spatial information, amino acid conservation, physicochemical variation, residue mobility, and thermodynamic stability) performed at Invitae indicates that this missense variant is not expected to disrupt PLCB1 protein function. ClinVar contains an entry for this variant (Variation ID: 1476949). This variant has not been reported in the literature in individuals affected with PLCB1-related conditions. This variant is not present in population databases (gnomAD no frequency). This sequence change replaces glycine, which is neutral and non-polar, with arginine, which is basic and polar, at codon 531 of the PLCB1 protein (p.Gly531Arg).